The following is an entry in ClinVar:

ClinVar aggregate classification (germline): Likely pathogenic (1 of 4 stars; one submission).

Conditions:
Intellectual disability. Also called: intellectual disabilities; Intellectual functioning disability; Intellectual developmental disorder. Identifiers: MedGen C3714756, MeSH D008607, MONDO:0001071, HP:0001249.

Submission:

Genetics Laboratory, UDIAT-Centre Diagnòstic, Hospital Universitari Parc Tauli
Classification: Likely pathogenic for Intellectual disability. Last evaluated: 2022-10-04. Review status: criteria provided, single submitter. Criteria: Parc Tauli Hospital Assertion Criteria 2021. Collection method: clinical testing. Allele origin: maternal. Inheritance: Autosomal dominant inheritance. Affected: yes.
Comment: PVS1;PM2_supporting

NM_016148.5(SHANK1):c.1882_1883del (p.Lys628fs)

Gene: SHANK1 (SH3 and multiple ankyrin repeat domains 1; minus strand). Cytogenetic location: 19q13.33.
Variant type: Deletion.
Coding change: c.1882_1883del on transcript NM_016148.5 (MANE Select); coding-DNA positions 1882 to 1883, 2 bases deleted (AA; older notation c.1882_1883delAA).
Protein change: p.Lys628fs; shifts the reading frame from lysine 628.
Molecular consequence: frameshift variant.
Genome position (GRCh38, 1-based): chr19:50,697,643-50,697,644, TT deleted on the plus strand (AA on the coding strand, the reverse complement: SHANK1 is on the minus strand); deleting any 2 consecutive bases within chr19:50,697,643-50,697,645 gives the same sequence; the c. name uses the placement nearest the transcript's 3' end. VCF-style (leftmost placement, unchanged base first): chr19-50697642-CTT-C. GRCh37 (hg19) VCF-style: chr19-51200899-CTT-C.
Other names: short protein forms K628fs.
Identifiers: ClinVar variation 1708219 (VCV001708219.2), dbSNP rs2513940332, ClinGen allele CA2580097614.